The following is an entry in ClinVar:

ClinVar aggregate classification (germline): Uncertain significance (1 of 4 stars; one submission).

Conditions:
Cardiovascular phenotype. Identifiers: MedGen CN230736.

Submission:

Ambry Genetics
Classification: Uncertain significance for Cardiovascular phenotype. Last evaluated: 2019-04-25. Review status: criteria provided, single submitter. Criteria: Ambry Variant Classification Scheme 2023. Collection method: clinical testing. Allele origin: germline.
Comment: The p.N1408K variant (also known as c.4224T>A), located in coding exon 29 of the MYH7 gene, results from a T to A substitution at nucleotide position 4224. The asparagine at codon 1408 is replaced by lysine, an amino acid with similar properties. This alteration has been seen in a Korean exome cohort, but cardiovascular history was not provided (Kwak SH et al. Exp. Mol. Med., 2017 07;49:e356). This amino acid position is highly conserved in available vertebrate species. In addition, this alteration is predicted to be tolerated by in silico analysis. Since supporting evidence is limited at this time, the clinical significance of this alteration remains unclear.

Literature cited by the submitters: PubMed 28706299.

NM_000257.4(MYH7):c.4224T>A (p.Asn1408Lys)

Gene: MYH7 (myosin heavy chain 7; minus strand). Cytogenetic location: 14q11.2.
Variant type: single nucleotide variant.
Coding change: c.4224T>A on transcript NM_000257.4 (MANE Select); coding-DNA position 4224, T replaced by A.
Protein change: p.Asn1408Lys; replaces asparagine 1408 with lysine.
Molecular consequence: missense variant.
Genome position (GRCh38, 1-based): chr14:23,417,632, A>T on the plus strand (T>A on the coding strand, the complement: MYH7 is on the minus strand). VCF-style: chr14-23417632-A-T. GRCh37 (hg19) VCF-style: chr14-23886841-A-T.
Other names: c.4224T>A, p.Asn1408Lys (NM_001407004.1); short protein forms N1408K.
Identifiers: ClinVar variation 1738851 (VCV001738851.2), dbSNP rs747540624, ClinGen allele CA389040445.